The following is an entry in ClinVar:

NC_000008.10:g.(?_100821583)_(100821778_?)del

Gene: VPS13B (vacuolar protein sorting 13 homolog B; plus strand). Cytogenetic location: 8q22.2.
Variant type: Deletion.
Identifiers: ClinVar variation 2426407 (VCV002426407.3).

ClinVar aggregate classification (germline): Likely pathogenic (1 of 4 stars; one submission).

Conditions:
Cohen syndrome (COH1). Also called: Cutis verticis gyrata, retinitis pigmentosa, and sensorineural deafness; PEPPER SYNDROME. Identifiers: Orphanet 193, MedGen C0265223, MONDO:0008999, OMIM 216550.

Submission:

Labcorp Genetics (formerly Invitae), Labcorp
Classification: Likely pathogenic for Cohen syndrome. Last evaluated: 2022-10-17. Review status: criteria provided, single submitter. Criteria: Invitae Variant Classification Sherloc (09022015). Collection method: clinical testing. Allele origin: germline.
Comment: This variant is a gross deletion of the genomic region encompassing exon(s) 44 of the VPS13B gene. This variant would be expected to be in-frame, preserving the integrity of the reading frame. A similar copy number variant has been observed in individual(s) with Cohen syndrome (PMID: 24334746). In summary, the currently available evidence indicates that the variant is pathogenic, but additional data are needed to prove that conclusively. Therefore, this variant has been classified as Likely Pathogenic.

Literature cited by the submitters: PubMed 24334746.